The following is an entry in ClinVar:

NM_024580.6(EFL1):c.2309G>A (p.Ser770Asn)

Gene: EFL1 (elongation factor like GTPase 1; minus strand). Cytogenetic location: 15q25.2.
Variant type: single nucleotide variant.
Coding change: c.2309G>A on transcript NM_024580.6 (MANE Select); coding-DNA position 2309, G replaced by A.
Protein change: p.Ser770Asn; replaces serine 770 with asparagine.
Molecular consequence: missense variant. On other transcripts: non-coding transcript variant (1).
Genome position (GRCh38, 1-based): chr15:82,152,145, C>T on the plus strand (G>A on the coding strand, the complement: EFL1 is on the minus strand). VCF-style: chr15-82152145-C-T. GRCh37 (hg19) VCF-style: chr15-82444486-C-T.
Other names: c.2156G>A, p.Ser719Asn (NM_001040610.3); c.1520G>A, p.Ser507Asn (NM_001322844.2); c.2309G>A, p.Ser770Asn (NM_001322845.2); short protein forms S507N, S719N, S770N.
Identifiers: ClinVar variation 2038787 (VCV002038787.3), dbSNP rs757915032, ClinGen allele CA7697769.
Genomic context (GRCh38, chr15:82,152,145, plus strand): 5'-TGAGTATTTTCACCCTCATTCAAAGAGGATGTCAACTGCTCCATAGAACGAATCAAATCA[C>T]TATTTTCTTCCAGAATCTGGGTGACTTCTTCTGGAAGGGGCATGGCTCGAACACTGAGCG-3'
Protein context (NP_078856.4, residues 760-780): EEVTQILEEN[Ser770Asn]DLIRSMEQLT

ClinVar aggregate classification (germline): Uncertain significance. Review status: criteria provided, multiple submitters, no conflicts (2 of 4 stars). 2 submissions from 2 submitters: Uncertain significance (2). Last evaluated 2024-11-18.

Allele frequency attached by ClinVar (database versions not stated): gnomAD 0.00001; ExAC 0.00003; gnomAD exomes 0.00003; TOPMed 0.00003.
gnomAD v4.1: 52 of 1,614,046 alleles (0.0032%); highest among the groups gnomAD compares: Admixed American, 0.005%; no homozygotes.

Submissions (2):

Blueprint Genetics
Classification: Uncertain significance. Last evaluated: 2024-11-18. Review status: criteria provided, single submitter. Criteria: ACMG Guidelines, 2015. Collection method: clinical testing. Allele origin: germline.

Labcorp Genetics (formerly Invitae), Labcorp
Classification: Uncertain significance. Last evaluated: 2023-08-10. Review status: criteria provided, single submitter. Criteria: Invitae Variant Classification Sherloc (09022015). Collection method: clinical testing. Allele origin: germline.
Comment: This sequence change replaces serine, which is neutral and polar, with asparagine, which is neutral and polar, at codon 770 of the EFL1 protein (p.Ser770Asn). This variant is present in population databases (rs757915032, gnomAD 0.006%). This variant has not been reported in the literature in individuals affected with EFL1-related conditions. ClinVar contains an entry for this variant (Variation ID: 2038787). Advanced modeling of protein sequence and biophysical properties (such as structural, functional, and spatial information, amino acid conservation, physicochemical variation, residue mobility, and thermodynamic stability) performed at Invitae indicates that this missense variant is not expected to disrupt EFL1 protein function. In summary, the available evidence is currently insufficient to determine the role of this variant in disease. Therefore, it has been classified as a Variant of Uncertain Significance.